The following is an entry in ClinVar:

ClinVar aggregate classification (germline): Uncertain significance (1 of 4 stars; one submission).

Conditions:
Cardiovascular phenotype. Identifiers: MedGen CN230736.

Allele frequency attached by ClinVar (database versions not stated): gnomAD exomes below 0.00001; ExAC 0.00002.
gnomAD v4.1: 2 of 1,612,866 alleles (0.00012%); highest among the groups gnomAD compares: South Asian, 0.0022%; no homozygotes.

Submission:

Ambry Genetics
Classification: Uncertain significance for Cardiovascular phenotype. Last evaluated: 2023-04-17. Review status: criteria provided, single submitter. Criteria: Ambry Variant Classification Scheme 2023. Collection method: clinical testing. Allele origin: germline.
Comment: The p.I3480T variant (also known as c.10439T>C), located in coding exon 72 of the RYR2 gene, results from a T to C substitution at nucleotide position 10439. The isoleucine at codon 3480 is replaced by threonine, an amino acid with similar properties. This amino acid position is well conserved in available vertebrate species. In addition, the in silico prediction for this alteration is inconclusive. Since supporting evidence is limited at this time, the clinical significance of this alteration remains unclear.

NM_001035.3(RYR2):c.10439T>C (p.Ile3480Thr)

Gene: RYR2 (ryanodine receptor 2; plus strand). Cytogenetic location: 1q43.
Variant type: single nucleotide variant.
Coding change: c.10439T>C on transcript NM_001035.3 (MANE Select); coding-DNA position 10439, T replaced by C.
Protein change: p.Ile3480Thr; replaces isoleucine 3480 with threonine.
Molecular consequence: missense variant.
Genome position (GRCh38, 1-based): chr1:237,717,313, T>C. VCF-style: chr1-237717313-T-C. GRCh37 (hg19) VCF-style: chr1-237880613-T-C.
Other names: short protein forms I3480T.
Identifiers: ClinVar variation 2568257 (VCV002568257.2), dbSNP rs754373766, ClinGen allele CA084319.